The following is an entry in ClinVar:

NM_000059.4(BRCA2):c.5879GTA[3] (p.Ser1961dup)

Gene: BRCA2 (BRCA2 DNA repair associated; plus strand). Cytogenetic location: 13q13.1.
Variant type: Microsatellite.
Coding change: c.5879GTA[3] on transcript NM_000059.4 (MANE Select); three copies in a row of the 3-base unit GTA starting at c.5879; the reference has two copies in a row; one copy, 3 bases duplicated; also written c.5882_5884dup.
Protein change: p.Ser1961dup; duplicates serine 1961.
Molecular consequence: inframe insertion.
Genome position (GRCh38, 1-based): chr13:32,340,237-32,340,239, GTA duplicated; duplicating any 3 consecutive bases within chr13:32,340,234-32,340,239 gives the same sequence; the position shown is the placement nearest the transcript's 3' end. VCF-style (leftmost placement, unchanged base first): chr13-32340233-T-TGTA. GRCh37 (hg19) VCF-style: chr13-32914370-T-TGTA.
Other names: c.5882_5884dup (NM_000059.4, NM_000059.3); c.5882_5884dupGTA (NM_000059.3).
Identifiers: ClinVar variation 421715 (VCV000421715.14), dbSNP rs1026127409, ClinGen allele CA16619731.

ClinVar aggregate classification (germline): Uncertain significance. Review status: criteria provided, multiple submitters, no conflicts (2 of 4 stars). 5 submissions from 5 submitters: Uncertain significance (5). Last evaluated 2025-12-16.

Conditions:
Hereditary breast ovarian cancer syndrome. Also called: Breast and ovarian cancer; BRCA1- and BRCA2-Associated Hereditary Breast and Ovarian Cancer; Hereditary breast and ovarian cancer; Hereditary breast and/or ovarian cancer syndrome; Hereditary breast and ovarian cancer syndrome; Hereditary breast and ovarian cancer syndrome (HBOC). Identifiers: Orphanet 145, MedGen C0677776, MeSH D061325, MONDO:0003582. Disease mechanism: loss of function.
Hereditary cancer-predisposing syndrome. Also called: Neoplastic Syndromes, Hereditary; Tumor predisposition; Hereditary neoplastic syndrome; Hereditary Cancer Syndrome. Identifiers: Orphanet 140162, MedGen C0027672, MeSH D009386, MONDO:0015356.
Breast-ovarian cancer, familial, susceptibility to, 2 (BROVCA2). Also called: BRCA2 Hereditary Breast and Ovarian Cancer. Identifiers: Orphanet 145, MedGen C2675520, MONDO:0012933, OMIM 612555. Disease mechanism: loss of function.

Submissions (5):

Ambry Genetics
Classification: Uncertain significance for Hereditary cancer-predisposing syndrome. Last evaluated: 2025-12-16. Review status: criteria provided, single submitter. Criteria: Ambry Variant Classification Scheme 2023. Collection method: clinical testing. Allele origin: germline.
Comment: The c.5882_5884dupGTA variant (also known as p.S1961dup), located in coding exon 10 of the BRCA2 gene, results from an in-frame duplication of GTA between nucleotide positions 5882 and 5884. This results in the duplication of an extra serine residue between codons 1961 and 1962.This amino acid position is poorly conserved in available vertebrate species. In addition, the in silico prediction for this alteration is inconclusive (Choi Y et al. PLoS ONE. 2012; 7(10):e46688). Based on the available evidence, the clinical significance of this variant remains unclear.

Labcorp Genetics (formerly Invitae), Labcorp
Classification: Uncertain significance for Hereditary breast ovarian cancer syndrome. Last evaluated: 2025-08-18. Review status: criteria provided, single submitter. Criteria: Invitae Variant Classification Sherloc (09022015). Collection method: clinical testing. Allele origin: germline.
Comment: This variant, c.5882_5884dup, results in the insertion of 1 amino acid(s) of the BRCA2 protein (p.Ser1961dup), but otherwise preserves the integrity of the reading frame. This variant is not present in population databases (gnomAD no frequency). This variant has been observed in individual(s) with clinical features of hereditary breast and/or ovarian cancer (PMID: 28324225). ClinVar contains an entry for this variant (Variation ID: 421715). Experimental studies and prediction algorithms are not available or were not evaluated, and the functional significance of this variant is currently unknown. In summary, the available evidence is currently insufficient to determine the role of this variant in disease. Therefore, it has been classified as a Variant of Uncertain Significance.

Institute of Human Genetics, University of Leipzig Medical Center
Classification: Uncertain significance for Breast-ovarian cancer, familial, susceptibility to, 2. Last evaluated: 2023-02-01. Review status: criteria provided, single submitter. Criteria: ACMG Guidelines, 2015. Collection method: clinical testing. Allele origin: unknown. Affected: yes.
Comment: _x000D_ Criteria applied: PM2_SUP, PM4_SUP

Quest Diagnostics Nichols Institute San Juan Capistrano
Classification: Uncertain significance. Last evaluated: 2022-10-21. Review status: criteria provided, single submitter. Criteria: Quest Diagnostics criteria. Collection method: clinical testing. Allele origin: unknown.
Comment: It has not been reported in large, multi-ethnic general populations. In the published literature, the variant has been reported in an individual with personal and family history of breast and/or ovarian cancer (PMID: 28324225 (2017)). Based on the available information, we are unable to determine the clinical significance of this variant.

GeneDx
Classification: Uncertain significance. Last evaluated: 2016-07-19. Review status: criteria provided, single submitter. Criteria: GeneDx Variant Classification (06012015). Collection method: clinical testing. Allele origin: germline. Affected: yes.
Comment: This in-frame duplication of 3 nucleotides in BRCA2 is denoted c.5882_5884dupGTA at the cDNA level and p.Ser1961dup (S1961dup) at the protein level. Using alternate nomenclature, this variant would be defined as c.6110_6112dupGTA. The normal sequence, with the bases that are duplicated in braces, is TGTA[GTA]TAGG. This duplication of a single Serine residue occurs at a position that is not conserved across species and is located in the RAD51 binding domain (Roy 2012). This variant has not, to our knowledge, been published in the literature as pathogenic or benign. Since in-frame duplications may or may not inhibit proper protein functioning, the clinical significance of this finding remains unclear at this time and we consider BRCA2 Ser1961dup to be a variant of uncertain significance.

Literature cited by the submitters: PubMed 28324225 (cited by 3 submitters).